The following is an entry in ClinVar:

NM_003922.4(HERC1):c.9354C>T (p.Ser3118=)

Gene: HERC1 (HECT and RLD domain containing E3 ubiquitin protein ligase family member 1; minus strand). Cytogenetic location: 15q22.31.
Variant type: single nucleotide variant.
Coding change: c.9354C>T on transcript NM_003922.4 (MANE Select); coding-DNA position 9354, C replaced by T.
Protein change: p.Ser3118=; no amino-acid change (serine 3118 retained).
Molecular consequence: synonymous variant.
Genome position (GRCh38, 1-based): chr15:63,659,806, G>A on the plus strand (C>T on the coding strand, the complement: HERC1 is on the minus strand). VCF-style: chr15-63659806-G-A. GRCh37 (hg19) VCF-style: chr15-63952005-G-A.
Identifiers: ClinVar variation 3234807 (VCV003234807.20), dbSNP rs1040291610, ClinGen allele CA272111520.

ClinVar aggregate classification (germline): Likely benign (1 of 4 stars; one submission).

Allele frequency attached by ClinVar (database versions not stated): gnomAD exomes below 0.00001.
gnomAD v4.1: 6 of 1,613,782 alleles (0.00037%); highest among the groups gnomAD compares: Non-Finnish European, 0.00034%; no homozygotes.

Submission:

CeGaT Center for Human Genetics Tuebingen
Classification: Likely benign. Last evaluated: 2024-04-01. Review status: criteria provided, single submitter. Criteria: CeGaT Center For Human Genetics Tuebingen Variant Classification Criteria Version 2. Collection method: clinical testing. Allele origin: germline. Affected: yes. Observed: 1 variant allele.
Comment: HERC1: BP4, BP7